The following is an entry in ClinVar:

NM_002860.4(ALDH18A1):c.1582G>A (p.Gly528Arg)

Gene: ALDH18A1 (aldehyde dehydrogenase 18 family member A1; minus strand). Cytogenetic location: 10q24.1.
Variant type: single nucleotide variant.
Coding change: c.1582G>A on transcript NM_002860.4 (MANE Select); coding-DNA position 1582, G replaced by A.
Protein change: p.Gly528Arg; replaces glycine 528 with arginine.
Molecular consequence: missense variant.
Genome position (GRCh38, 1-based): chr10:95,616,500, C>T on the plus strand (G>A on the coding strand, the complement: ALDH18A1 is on the minus strand). VCF-style: chr10-95616500-C-T. GRCh37 (hg19) VCF-style: chr10-97376257-C-T.
Other names: c.1576G>A, p.Gly526Arg (NM_001017423.2, NM_001323415.2); c.1249G>A, p.Gly417Arg (NM_001323412.2, NM_001323416.2); c.1582G>A, p.Gly528Arg (NM_001323413.2, NM_001323414.2); c.1477G>A, p.Gly493Arg (NM_001323417.2); c.1243G>A, p.Gly415Arg (NM_001323418.2); c.946G>A, p.Gly316Arg (NM_001323419.2); short protein forms G316R, G415R, G417R, G493R, G526R, G528R.
Identifiers: ClinVar variation 1326668 (VCV001326668.4), dbSNP rs914403045, ClinGen allele CA211789690.

ClinVar aggregate classification (germline): Uncertain significance. Review status: criteria provided, multiple submitters, no conflicts (2 of 4 stars). 3 submissions from 3 submitters: Uncertain significance (3). Last evaluated 2025-03-07.

Conditions:
Autosomal dominant spastic paraplegia type 9. Identifiers: MedGen C1832669, MONDO:0015091.
Cutis laxa, autosomal dominant 3 (ADCL3). Identifiers: Orphanet 90348, MedGen C4225268, MONDO:0014706, OMIM 616603.
de Barsy syndrome. Also called: Cutis laxa-corneal clouding-oligophrenia syndrome. Identifiers: Orphanet 2962, MedGen C0268354, MONDO:0017569.
ALDH18A1-related de Barsy syndrome. Also called: DE BARSY SYNDROME A; Cutis laxa, autosomal recessive IIIA. Identifiers: Orphanet 2962, Orphanet 35664, MedGen C5234852, MONDO:0009053, OMIM 219150.

Allele frequency attached by ClinVar (database versions not stated): gnomAD exomes below 0.00001 and 0.00001; gnomAD 0.00001; TOPMed 0.00001.
gnomAD v4.1: 7 of 1,571,886 alleles (0.00045%); highest among the groups gnomAD compares: Non-Finnish European, 0.00043%; no homozygotes.

Submissions (3):

Labcorp Genetics (formerly Invitae), Labcorp
Classification: Uncertain significance for Autosomal dominant spastic paraplegia type 9; de Barsy syndrome; Cutis laxa, autosomal dominant 3. Last evaluated: 2025-03-07. Review status: criteria provided, single submitter. Criteria: Invitae Variant Classification Sherloc (09022015). Collection method: clinical testing. Allele origin: germline.
Comment: This sequence change replaces glycine, which is neutral and non-polar, with arginine, which is basic and polar, at codon 528 of the ALDH18A1 protein (p.Gly528Arg). The frequency data for this variant in the population databases is considered unreliable, as metrics indicate poor data quality at this position in the gnomAD database. This variant has not been reported in the literature in individuals affected with ALDH18A1-related conditions. ClinVar contains an entry for this variant (Variation ID: 1326668). Invitae Evidence Modeling of protein sequence and biophysical properties (such as structural, functional, and spatial information, amino acid conservation, physicochemical variation, residue mobility, and thermodynamic stability) has been performed for this missense variant. However, the output from this modeling did not meet the statistical confidence thresholds required to predict the impact of this variant on ALDH18A1 protein function. In summary, the available evidence is currently insufficient to determine the role of this variant in disease. Therefore, it has been classified as a Variant of Uncertain Significance.

GeneDx
Classification: Uncertain significance. Last evaluated: 2021-05-27. Review status: criteria provided, single submitter. Criteria: GeneDx Variant Classification Process June 2021. Collection method: clinical testing. Allele origin: germline. Affected: yes.
Comment: Has not been previously published as pathogenic or benign to our knowledge; Not observed at a significant frequency in large population cohorts (Lek et al., 2016); In silico analysis supports that this missense variant has a deleterious effect on protein structure/function; This variant is associated with the following publications: (PMID: 27535533)

Victorian Clinical Genetics Services, Murdoch Childrens Research Institute
Classification: Uncertain significance for ALDH18A1-related de Barsy syndrome. Last evaluated: 2021-05-06. Review status: criteria provided, single submitter. Criteria: ACMG Guidelines, 2015. Collection method: clinical testing. Allele origin: germline.
Comment: Based on the classification scheme VCGS_Germline_v1.3.4, this variant is classified as VUS-3B. Following criteria are met: 0103 - Dominant negative and loss of function and are known mechanisms of disease in this gene. Loss of function is commonly associated with Spastic paraplegia 9B while dominant negative is a mechanism associated with Spastic paraplegia 9A (PMID: 31402623). (I) 0108 - This gene is associated with both recessive (Cutis laxa type IIIA MIM#219150, Spastic paraplegia 9B MIM#616586) and dominant disease (Cutis laxa 3 MIM#616603, Spastic paraplegia 9A MIM#601162), although no clear genotype-phenotype correlations have been observed (OMIM). (I) 0200 - Variant is predicted to result in a missense amino acid change from glycine to arginine. (I) 0251 - This variant is heterozygous. (I) 0302 - Variant is present in gnomAD (v2) <0.001 for a dominant condition (1 heterozygote, 0 homozygotes). (SP) 0501 - Missense variant consistently predicted to be damaging by multiple in silico tools or highly conserved with a major amino acid change. (SP) 0600 - Variant is located in the annotated Aldehyde dehydrogenase family (Decipher). (I) 0705 - No comparable missense variants have previous evidence for pathogenicity. (I) 0807 - This variant has no previous evidence of pathogenicity. (I) 0905 - No published segregation evidence has been identified for this variant. (I) 1007 - No published functional evidence has been identified for this variant. (I) 1208 - Inheritance information for this variant is not currently available in this individual. (I) Legend: (SP) - Supporting pathogenic, (I) - Information, (SB) - Supporting benign

Literature cited by the submitters: PubMed 31402623 (cited by Victorian Clinical Genetics Services, Murdoch Childrens Research Institute).